The following is an entry in ClinVar:

NM_004667.6(HERC2):c.3725C>T (p.Ser1242Leu)

Gene: HERC2 (HECT and RLD domain containing E3 ubiquitin protein ligase 2; minus strand). Cytogenetic location: 15q13.1.
Variant type: single nucleotide variant.
Coding change: c.3725C>T on transcript NM_004667.6 (MANE Select); coding-DNA position 3725, C replaced by T.
Protein change: p.Ser1242Leu; replaces serine 1242 with leucine.
Molecular consequence: missense variant.
Genome position (GRCh38, 1-based): chr15:28,238,625, G>A on the plus strand (C>T on the coding strand, the complement: HERC2 is on the minus strand). VCF-style: chr15-28238625-G-A. GRCh37 (hg19) VCF-style: chr15-28483771-G-A.
Other names: short protein forms S1242L.
Identifiers: ClinVar variation 3372444 (VCV003372444.1).

ClinVar aggregate classification (germline): Uncertain significance (1 of 4 stars; one submission).

gnomAD v4.1: 23 of 1,611,286 alleles (0.0014%); highest among the groups gnomAD compares: Middle Eastern, 0.045%; no homozygotes.

Submission:

GeneDx
Classification: Uncertain significance. Last evaluated: 2024-04-24. Review status: criteria provided, single submitter. Criteria: GeneDx Variant Classification Process June 2021. Collection method: clinical testing. Allele origin: germline. Affected: yes.
Comment: In silico analysis supports that this missense variant has a deleterious effect on protein structure/function; Has not been previously published as pathogenic or benign to our knowledge